The following is an entry in ClinVar:

ClinVar aggregate classification (germline): Pathogenic. Review status: reviewed by expert panel (3 of 4 stars). 11 submissions from 11 submitters: Pathogenic (1). 10 of the submissions do not count toward it. Last evaluated 2016-09-08.

Conditions:
Malignant tumor of pancreas. Also called: Pancreatic cancer; Malignant pancreatic neoplasm; Cancer of the pancreas. Identifiers: MedGen C0346647, MONDO:0009831.
Hereditary breast ovarian cancer syndrome. Also called: Hereditary breast and ovarian cancer syndrome; Hereditary breast and ovarian cancer; Hereditary breast and ovarian cancer syndrome (HBOC); Breast and ovarian cancer; Hereditary breast and/or ovarian cancer syndrome; BRCA1- and BRCA2-Associated Hereditary Breast and Ovarian Cancer. Identifiers: Orphanet 145, MedGen C0677776, MeSH D061325, MONDO:0003582. Disease mechanism: loss of function.
BRCA2-related disorder. Also called: BRCA2-related condition; BRCA2-related disorders. Identifiers: MedGen CN239275.
Breast-ovarian cancer, familial, susceptibility to, 2 (BROVCA2). Also called: BRCA2 Hereditary Breast and Ovarian Cancer. Identifiers: Orphanet 145, MedGen C2675520, MONDO:0012933, OMIM 612555. Disease mechanism: loss of function.
Familial cancer of breast. Also called: BREAST CANCER, FAMILIAL; Hereditary breast cancer; hereditary breast carcinoma. Identifiers: Orphanet 227535, MedGen C0346153, MONDO:0016419, OMIM 114480. Disease mechanism: loss of function.
Hereditary cancer-predisposing syndrome. Also called: Neoplastic Syndromes, Hereditary; Tumor predisposition; Hereditary Cancer Syndrome; Hereditary neoplastic syndrome. Identifiers: Orphanet 140162, MedGen C0027672, MeSH D009386, MONDO:0015356.

Allele frequency attached by ClinVar (database versions not stated): gnomAD exomes below 0.00001; ExAC 0.00001.
gnomAD v4.1: 3 of 1,613,932 alleles (0.00019%); highest among the groups gnomAD compares: Non-Finnish European, 0.00025%; no homozygotes.

Submissions (11):

Evidence-based Network for the Interpretation of Germline Mutant Alleles (ENIGMA)
Classification: Pathogenic for Breast-ovarian cancer, familial, susceptibility to, 2. Last evaluated: 2016-09-08. Review status: reviewed by expert panel. Criteria: ENIGMA BRCA1/2 Classification Criteria (2015). Collection method: curation. Allele origin: germline.
Comment: Variant allele predicted to encode a truncated non-functional protein.

Labcorp Genetics (formerly Invitae), Labcorp
Classification: Pathogenic for Hereditary breast ovarian cancer syndrome. Last evaluated: 2024-04-09. Review status: criteria provided, single submitter. Criteria: Invitae Variant Classification Sherloc (09022015). Collection method: clinical testing. Allele origin: germline. Not counted in ClinVar's aggregate classification.
Comment: This sequence change creates a premature translational stop signal (p.Gln1509*) in the BRCA2 gene. It is expected to result in an absent or disrupted protein product. Loss-of-function variants in BRCA2 are known to be pathogenic (PMID: 20104584). This variant is not present in population databases (gnomAD no frequency). This premature translational stop signal has been observed in individual(s) with breast cancer, or melanoma, as well as an individual at high risk of developing breast and/or ovarian cancer (PMID: 28993434, 29446198, 29909963). ClinVar contains an entry for this variant (Variation ID: 51659). For these reasons, this variant has been classified as Pathogenic.

PreventionGenetics, part of Exact Sciences
Classification: Pathogenic for BRCA2-related condition. Last evaluated: 2023-09-05. Review status: criteria provided, single submitter. Criteria: ACMG Guidelines, 2015. Collection method: clinical testing. Allele origin: germline. Not counted in ClinVar's aggregate classification.
Comment: The BRCA2 c.4525C>T variant is predicted to result in premature protein termination (p.Gln1509*). This variant has been reported in multiple individuals with a personal or family history of breast or ovarian cancer (Wen et al. 2018. PubMed ID: 28993434; Whitworth et al. 2018. PubMed ID: 29909963; Li et al. 2018. PubMed ID: 30078507). This variant has not been reported in a large population database, indicating it is rare. In ClinVar, this variant is classified as pathogenic by several laboratories, including an expert panel. We interpret this variant to be pathogenic.

Women's Health and Genetics/Laboratory Corporation of America, LabCorp
Classification: Pathogenic for Hereditary breast ovarian cancer syndrome. Last evaluated: 2022-05-09. Review status: criteria provided, single submitter. Criteria: LabCorp Variant Classification Summary - May 2015. Collection method: clinical testing. Allele origin: germline. Not counted in ClinVar's aggregate classification.
Comment: Variant summary: BRCA2 c.4525C>T (p.Gln1509X) results in a premature termination codon, predicted to cause a truncation of the encoded protein or absence of the protein due to nonsense mediated decay, which are commonly known mechanisms for disease. Truncations downstream of this position have been classified as pathogenic by our laboratory. The variant was absent in 250266 control chromosomes. c.4525C>T has been reported in the literature in individuals affected with Hereditary Breast And Ovarian Cancer Syndrome (eg. Rebbeck_2018, Patruno_2021, Li_2018, etc.). To our knowledge, no experimental evidence demonstrating an impact on protein function has been reported. Six clinical diagnostic laboratories have submitted clinical-significance assessments for this variant to ClinVar after 2014 without evidence for independent evaluation. All laboratories classified the variant as pathogenic. Based on the evidence outlined above, the variant was classified as pathogenic.

Ambry Genetics
Classification: Pathogenic for Hereditary cancer-predisposing syndrome. Last evaluated: 2022-01-27. Review status: criteria provided, single submitter. Criteria: Ambry Variant Classification Scheme 2023. Collection method: clinical testing. Allele origin: germline. Not counted in ClinVar's aggregate classification.
Comment: The p.Q1509* pathogenic mutation (also known as c.4525C>T), located in coding exon 10 of the BRCA2 gene, results from a C to T substitution at nucleotide position 4525. This changes the amino acid from a glutamine to a stop codon within coding exon 10. This alteration has been identified in individuals diagnosed with breast and prostate cancer (Wen WX et al. J Med Genet, 2018 02;55:97-103; Nyberg T et al. Eur Urol, 2020 10;78:494-497). This alteration was also identified in a large, worldwide study of BRCA1/2 mutation positive families (Rebbeck TR et al. Hum Mutat, 2018 05;39:593-620). This variant is considered to be rare based on population cohorts in the Genome Aggregation Database (gnomAD). In addition to the clinical data presented in the literature, this alteration is expected to result in loss of function by premature protein truncation or nonsense-mediated mRNA decay. As such, this alteration is interpreted as a disease-causing mutation.

Quest Diagnostics Nichols Institute San Juan Capistrano
Classification: Pathogenic. Last evaluated: 2019-11-29. Review status: criteria provided, single submitter. Criteria: Quest Diagnostics criteria. Collection method: clinical testing. Allele origin: unknown. Not counted in ClinVar's aggregate classification.
Comment: The variant creates a premature nonsense codon, and is therefore predicted to result in the loss of a functional protein. Found in at least one patient with expected phenotype for this gene, and not found in general population data.

Academic Department of Medical Genetics, University of Cambridge
Classification: Pathogenic for Hereditary cancer-predisposing syndrome. Last evaluated: 2018-01-26. Review status: criteria provided, single submitter. Criteria: ACMG Guidelines, 2015. Collection method: research. Allele origin: germline. Affected: yes. Observed: 1 heterozygote. Not counted in ClinVar's aggregate classification.
Comment: Application of AMCG guidelines 2015. Used other ClinVar submission evidence where relevant. Loss of heterozygosity in tumours or immunohistochemistry abnormalities considered functional evidence of pathogenicity.

Identified as part of research study of individuals with multiple primary tumours referred for genetic assessment

3DMed Clinical Laboratory Inc
Classification: Pathogenic for Cancer of the pancreas. Last evaluated: 2017-11-07. Review status: criteria provided, single submitter. Criteria: ACMG Guidelines, 2015. Collection method: clinical testing. Allele origin: germline. Affected: yes. Not counted in ClinVar's aggregate classification.

Consortium of Investigators of Modifiers of BRCA1/2 (CIMBA), c/o University of Cambridge
Classification: Pathogenic for Breast-ovarian cancer, familial, susceptibility to, 2. Last evaluated: 2015-10-02. Review status: criteria provided, single submitter. Criteria: CIMBA Mutation Classification guidelines May 2016. Collection method: clinical testing. Allele origin: germline. Not counted in ClinVar's aggregate classification.

Breast Cancer Information Core (BIC) (BRCA2)
Classification: Pathogenic for Breast-ovarian cancer, familial 2. Last evaluated: 2004-02-20. Review status: no assertion criteria provided. Collection method: clinical testing. Allele origin: germline. Affected: yes. Observed: 1 variant allele. Not counted in ClinVar's aggregate classification.

Center for Precision Medicine, Meizhou People's Hospital
Classification: Pathogenic for Familial cancer of breast. Review status: no assertion criteria provided. Collection method: literature only. Allele origin: germline. Affected: yes. Not counted in ClinVar's aggregate classification.

Literature cited by the submitters: PubMed 20104584 (cited by Labcorp Genetics (formerly Invitae), Labcorp and Center for Precision Medicine, Meizhou People's Hospital); PubMed 28993434 (cited by 4 submitters); PubMed 29446198 (cited by 5 submitters); PubMed 29909963 (cited by 3 submitters); PubMed 30078507 (cited by Women's Health and Genetics/Laboratory Corporation of America, LabCorp and Quest Diagnostics Nichols Institute San Juan Capistrano); PubMed 34572941 (cited by Women's Health and Genetics/Laboratory Corporation of America, LabCorp); PubMed 32532514 (cited by Ambry Genetics); PubMed 15145354 (cited by 3DMed Clinical Laboratory Inc).

NM_000059.4(BRCA2):c.4525C>T (p.Gln1509Ter)

Gene: BRCA2 (BRCA2 DNA repair associated; plus strand). Cytogenetic location: 13q13.1.
Variant type: single nucleotide variant.
Coding change: c.4525C>T on transcript NM_000059.4 (MANE Select); coding-DNA position 4525, C replaced by T.
Protein change: p.Gln1509Ter; replaces glutamine 1509 with a stop codon.
Molecular consequence: nonsense.
Genome position (GRCh38, 1-based): chr13:32,338,880, C>T. VCF-style: chr13-32338880-C-T. GRCh37 (hg19) VCF-style: chr13-32913017-C-T.
Other names: short protein forms Q1509*.
Identifiers: ClinVar variation 51659 (VCV000051659.19), dbSNP rs80358683, ClinGen allele CA020321.